The following is an entry in ClinVar:

ClinVar aggregate classification (germline): Pathogenic. Review status: criteria provided, single submitter (1 of 4 stars). 2 submissions from 2 submitters: Pathogenic (1). 1 of the submissions does not count toward it. Last evaluated 2024-05-14.

Conditions:
Retinitis pigmentosa (RP). Identifiers: Orphanet 791, MedGen C0035334, MeSH D012174, MONDO:0019200, OMIM 268000. Inheritance: Autosomal dominant, autosomal recessive and X linked inheritance.
Retinitis pigmentosa 25 (RP25). Identifiers: Orphanet 791, MedGen C1864446, MONDO:0011272, OMIM 602772.

Submissions (2):

Myriad Genetics, Inc.
Classification: Pathogenic for Retinitis pigmentosa 25. Last evaluated: 2024-05-14. Review status: criteria provided, single submitter. Criteria: Myriad Autosomal Dominant, Autosomal Recessive and X-Linked Classification Criteria (2023). Collection method: clinical testing. Allele origin: unknown.
Comment: NM_001142800.1(EYS):c.873T>A(C291*) is expected to be pathogenic in the context of retinitis pigmentosa, EYS-related. This variant is predicted to lead to an abnormal or absent protein product due to the creation of a premature termination codon in EYS, a gene where loss-of-function variants are known to be pathogenic. Please note: this variant was assessed in the context of healthy population screening.

Department of Clinical Genetics, Copenhagen University Hospital, Rigshospitalet
Classification: Likely pathogenic for Retinitis pigmentosa. Last evaluated: 2018-04-01. Review status: no assertion criteria provided. Collection method: research. Allele origin: unknown. Affected: yes. Study: VeluxRD. Not counted in ClinVar's aggregate classification.

Literature cited by the submitters: PubMed 30718709 (cited by Department of Clinical Genetics, Copenhagen University Hospital, Rigshospitalet).

NM_001142800.2(EYS):c.873T>A (p.Cys291Ter)

Gene: EYS (EGF-like photoreceptor maintenance factor; minus strand). Cytogenetic location: 6q12.
Variant type: single nucleotide variant.
Coding change: c.873T>A on transcript NM_001142800.2 (MANE Select); coding-DNA position 873, T replaced by A.
Protein change: p.Cys291Ter; replaces cysteine 291 with a stop codon.
Molecular consequence: nonsense.
Genome position (GRCh38, 1-based): chr6:65,405,357, A>T on the plus strand (T>A on the coding strand, the complement: EYS is on the minus strand). VCF-style: chr6-65405357-A-T. GRCh37 (hg19) VCF-style: chr6-66115250-A-T.
Other names: c.873T>A, p.Cys291Ter (NM_001142801.2, NM_001292009.2, NM_198283.2); short protein forms C291*.
Identifiers: ClinVar variation 636031 (VCV000636031.3), dbSNP rs777482895, ClinGen allele CA364662943.
Genomic context (GRCh38, chr6:65,405,357, plus strand): 5'-ATTTGGGCAAATTCCTCTTTTCCAAAAAAGCAGAGAAACACAAGGTTTTGCTGACACCTC[A>T]CAGAATGGACCTTAAAAAAATCACACACAAGAAAAAAAAAGAAAAGGAAGGAAGGAAAGA-3'